The following is an entry in ClinVar:

ClinVar aggregate classification (germline): Benign/Likely benign. Review status: criteria provided, multiple submitters, no conflicts (2 of 4 stars). 2 submissions from 2 submitters: Benign (1); Likely benign (1). Last evaluated 2025-07-27.

Conditions:
Bethlem myopathy 1A. Also called: Bethlem Muscular Dystrophy; Bethlem myopathy 1; MYOPATHY, BENIGN CONGENITAL, WITH CONTRACTURES. Identifiers: Orphanet 610, MedGen CN029274, MONDO:0024530, OMIM 158810.

Allele frequency attached by ClinVar (database versions not stated): gnomAD exomes below 0.00001; TOPMed 0.00003; gnomAD 0.00004.
gnomAD v4.1: 10 of 1,611,884 alleles (0.00062%); highest among the groups gnomAD compares: African/African-American, 0.012%; no homozygotes.

Submissions (2):

Labcorp Genetics (formerly Invitae), Labcorp
Classification: Benign for Bethlem myopathy 1A. Last evaluated: 2025-07-27. Review status: criteria provided, single submitter. Criteria: Invitae Variant Classification Sherloc (09022015). Collection method: clinical testing. Allele origin: germline.

GeneDx
Classification: Likely benign. Last evaluated: 2018-05-29. Review status: criteria provided, single submitter. Criteria: GeneDx Variant Classification (06012015). Collection method: clinical testing. Allele origin: germline. Affected: yes.
Comment: This variant is considered likely benign or benign based on one or more of the following criteria: it is a conservative change, it occurs at a poorly conserved position in the protein, it is predicted to be benign by multiple in silico algorithms, and/or has population frequency not consistent with disease.

NM_001849.4(COL6A2):c.1194C>T (p.Asn398=)

Gene: COL6A2 (collagen type VI alpha 2 chain; plus strand). Cytogenetic location: 21q22.3.
Variant type: single nucleotide variant.
Coding change: c.1194C>T on transcript NM_001849.4 (MANE Select); coding-DNA position 1194, C replaced by T.
Protein change: p.Asn398=; no amino-acid change (asparagine 398 retained).
Molecular consequence: synonymous variant.
Genome position (GRCh38, 1-based): chr21:46,119,044, C>T. VCF-style: chr21-46119044-C-T. GRCh37 (hg19) VCF-style: chr21-47538958-C-T.
Other names: c.1194C>T, p.Asn398= (NM_058174.3, NM_058175.3).
Identifiers: ClinVar variation 668675 (VCV000668675.3), dbSNP rs1158137469, ClinGen allele CA512727948.